The following is an entry in ClinVar:

ClinVar aggregate classification (germline): Uncertain significance. Review status: criteria provided, multiple submitters, no conflicts (2 of 4 stars). 2 submissions from 2 submitters: Uncertain significance (2). Last evaluated 2024-07-16.

Submissions (2):

Labcorp Genetics (formerly Invitae), Labcorp
Classification: Uncertain significance. Last evaluated: 2024-07-16. Review status: criteria provided, single submitter. Criteria: Invitae Variant Classification Sherloc (09022015). Collection method: clinical testing. Allele origin: germline.
Comment: This sequence change replaces lysine, which is basic and polar, with glutamine, which is neutral and polar, at codon 656 of the OPA1 protein (p.Lys656Gln). This variant is not present in population databases (gnomAD no frequency). This variant has not been reported in the literature in individuals affected with OPA1-related conditions. ClinVar contains an entry for this variant (Variation ID: 1954918). Advanced modeling of protein sequence and biophysical properties (such as structural, functional, and spatial information, amino acid conservation, physicochemical variation, residue mobility, and thermodynamic stability) performed at Invitae indicates that this missense variant is not expected to disrupt OPA1 protein function with a negative predictive value of 80%. In summary, the available evidence is currently insufficient to determine the role of this variant in disease. Therefore, it has been classified as a Variant of Uncertain Significance.

Blueprint Genetics
Classification: Uncertain significance. Last evaluated: 2020-12-10. Review status: criteria provided, single submitter. Criteria: ACMG Guidelines, 2015. Collection method: clinical testing. Allele origin: germline.

NM_130837.3(OPA1):c.2131A>C (p.Lys711Gln)

Gene: OPA1 (OPA1 mitochondrial dynamin like GTPase; plus strand). Cytogenetic location: 3q29.
Variant type: single nucleotide variant.
Coding change: c.2131A>C on transcript NM_130837.3 (MANE Select); coding-DNA position 2131, A replaced by C.
Protein change: p.Lys711Gln; replaces lysine 711 with glutamine.
Molecular consequence: missense variant.
Genome position (GRCh38, 1-based): chr3:193,654,980, A>C. VCF-style: chr3-193654980-A-C. GRCh37 (hg19) VCF-style: chr3-193372769-A-C.
Other names: c.1597A>C, p.Lys533Gln (NM_001354663.2); c.1594A>C, p.Lys532Gln (NM_001354664.2); c.1966A>C, p.Lys656Gln (NM_015560.3); c.1858A>C, p.Lys620Gln (NM_130831.3); c.1912A>C, p.Lys638Gln (NM_130832.3); c.1969A>C, p.Lys657Gln (NM_130833.3); c.2020A>C, p.Lys674Gln (NM_130834.3); c.2023A>C, p.Lys675Gln (NM_130835.3); and 1 more; short protein forms K532Q, K656Q, K674Q, K693Q, K533Q, K620Q, K638Q, K657Q.
Identifiers: ClinVar variation 1954918 (VCV001954918.6), dbSNP rs2475018453, ClinGen allele CA355791226.